The following is an entry in ClinVar:

NM_000308.4(CTSA):c.110G>C (p.Arg37Pro)

Gene: CTSA (cathepsin A; plus strand). Cytogenetic location: 20q13.12.
Variant type: single nucleotide variant.
Coding change: c.110G>C on transcript NM_000308.4 (MANE Select); coding-DNA position 110, G replaced by C.
Protein change: p.Arg37Pro; replaces arginine 37 with proline.
Molecular consequence: missense variant. On other transcripts: non-coding transcript variant (1).
Genome position (GRCh38, 1-based): chr20:45,891,678, G>C. VCF-style: chr20-45891678-G-C. GRCh37 (hg19) VCF-style: chr20-44520317-G-C.
Other names: c.110G>C, p.Arg37Pro (NM_001127695.3, NM_001167594.3); short protein forms R37P.
Identifiers: ClinVar variation 1408753 (VCV001408753.6), dbSNP rs751427255, ClinGen allele CA9882928.
Genomic context (GRCh38, chr20:45,891,678, plus strand): 5'-TGCTGCTAGTGTCCTGGGCGTCCCGAGGCGAGGCAGCCCCCGACCAGGACGAGATCCAGC[G>C]CCTCCCCGGGCTGGCCAAGCAGCCGTCTTTCCGCCAGTACTCCGGCTACCTCAAAGGCTC-3'
Protein context (NP_000299.3, residues 27-47): EAAPDQDEIQ[Arg37Pro]LPGLAKQPSF

ClinVar aggregate classification (germline): Uncertain significance (1 of 4 stars; one submission).

Conditions:
Combined deficiency of sialidase AND beta galactosidase (GSL). Also called: Galactosialidosis; CATHEPSIN A DEFICIENCY; GOLDBERG SYNDROME; NEURAMINIDASE DEFICIENCY WITH BETA-GALACTOSIDASE DEFICIENCY; NEURAMINIDASE/BETA-GALACTOSIDASE EXPRESSION; PPCA DEFICIENCY. Identifiers: Orphanet 351, MedGen C0268233, MONDO:0009737, OMIM 256540.

Allele frequency attached by ClinVar (database versions not stated): TOPMed below 0.00001; ExAC 0.00001; gnomAD 0.00001; gnomAD exomes 0.00001.
gnomAD v4.1: 9 of 1,612,746 alleles (0.00056%); highest among the groups gnomAD compares: Non-Finnish European, 0.00076%; no homozygotes.

Submission:

Labcorp Genetics (formerly Invitae), Labcorp
Classification: Uncertain significance for Combined deficiency of sialidase AND beta galactosidase. Last evaluated: 2021-10-29. Review status: criteria provided, single submitter. Criteria: Invitae Variant Classification Sherloc (09022015). Collection method: clinical testing. Allele origin: germline.
Comment: In summary, the available evidence is currently insufficient to determine the role of this variant in disease. Therefore, it has been classified as a Variant of Uncertain Significance. Algorithms developed to predict the effect of missense changes on protein structure and function are either unavailable or do not agree on the potential impact of this missense change (SIFT: "Not Available"; PolyPhen-2: "Benign"; Align-GVGD: "Not Available"). This variant has not been reported in the literature in individuals affected with CTSA-related conditions. This variant is present in population databases (rs751427255, gnomAD 0.002%). This sequence change replaces arginine, which is basic and polar, with proline, which is neutral and non-polar, at codon 55 of the CTSA protein (p.Arg55Pro).